The following is an entry in ClinVar:

NM_001903.5(CTNNA1):c.1407G>A (p.Leu469=)

Gene: CTNNA1 (catenin alpha 1; plus strand). Cytogenetic location: 5q31.2.
Variant type: single nucleotide variant.
Coding change: c.1407G>A on transcript NM_001903.5 (MANE Select); coding-DNA position 1407, G replaced by A.
Protein change: p.Leu469=; no amino-acid change (leucine 469 retained).
Molecular consequence: synonymous variant. On other transcripts: 5 prime UTR variant (5).
Genome position (GRCh38, 1-based): chr5:138,917,759, G>A. VCF-style: chr5-138917759-G-A. GRCh37 (hg19) VCF-style: chr5-138253448-G-A.
Other names: c.1407G>A, p.Leu469= (NM_001290307.3, NM_001323982.2, NM_001323983.1 and 2 more transcripts); c.1098G>A, p.Leu366= (NM_001290309.3); c.1038G>A, p.Leu346= (NM_001290310.3); c.297G>A, p.Leu99= (NM_001290312.1, NM_001323987.1, NM_001323988.1 and 17 more transcripts); c.1314G>A, p.Leu438= (NM_001323986.2); c.-43G>A (NM_001324006.1, NM_001324007.1, NM_001324008.1 and 2 more transcripts); c.204G>A, p.Leu68= (NM_001324011.1); c.54G>A, p.Leu18= (NM_001324012.1, NM_001324013.1).
Identifiers: ClinVar variation 3773326 (VCV003773326.2).

ClinVar aggregate classification (germline): Benign/Likely benign. Review status: criteria provided, multiple submitters, no conflicts (2 of 4 stars). 2 submissions from 2 submitters: Benign (1); Likely benign (1). Last evaluated 2025-05-02.

Conditions:
Hereditary diffuse gastric adenocarcinoma (HDGC). Also called: DIFFUSE GASTRIC AND LOBULAR BREAST CANCER SYNDROME. Identifiers: Orphanet 26106, MedGen C1708349, MONDO:0007648, OMIM 137215.

Submissions (2):

Labcorp Genetics (formerly Invitae), Labcorp
Classification: Likely benign. Last evaluated: 2025-05-02. Review status: criteria provided, single submitter. Criteria: Invitae Variant Classification Sherloc (09022015). Collection method: clinical testing. Allele origin: germline.

Myriad Genetics, Inc.
Classification: Benign for Hereditary diffuse gastric adenocarcinoma. Last evaluated: 2024-10-11. Review status: criteria provided, single submitter. Criteria: Myriad Autosomal Dominant, Autosomal Recessive and X-Linked Classification Criteria (2023). Collection method: clinical testing. Allele origin: unknown.
Comment: This variant is considered benign. This variant is a silent/synonymous amino acid change and it is not expected to impact splicing.